The following is an entry in ClinVar:

NM_015466.4(PTPN23):c.1004-4C>A

Gene: PTPN23 (protein tyrosine phosphatase non-receptor type 23; plus strand). Cytogenetic location: 3p21.31.
Variant type: single nucleotide variant.
Coding change: c.1004-4C>A on transcript NM_015466.4 (MANE Select); 4 bases into the intron before coding-DNA position 1004, C replaced by A.
Molecular consequence: intron variant.
Genome position (GRCh38, 1-based): chr3:47,407,693, C>A. VCF-style: chr3-47407693-C-A. GRCh37 (hg19) VCF-style: chr3-47449183-C-A.
Other names: c.626-4C>A (NM_001304482.2); c.1004-4C>A (NM_015466.2).
Identifiers: ClinVar variation 1566996 (VCV001566996.9), dbSNP rs200658102, ClinGen allele CA2365614.
Genomic context (GRCh38, chr3:47,407,693, plus strand): 5'-GGACACAGGAGGCTGCCTCAAGGACTCTGCGTGGGCCTGATCTCCACAATTCCCACCCCC[C>A]CAGGAGCCCCCTTGGTGAAGCCCTTGCCAGTGAACCCCACAGACCCAGCTGTTACAGGCC-3'

ClinVar aggregate classification (germline): Conflicting classifications of pathogenicity. Review status: criteria provided, conflicting classifications (1 of 4 stars). 2 submissions from 2 submitters: Uncertain significance (1); Likely benign (1). Last evaluated 2025-07-14.

Conditions:
Inborn genetic diseases. Identifiers: MedGen C0950123, MeSH D030342.

Allele frequency attached by ClinVar (database versions not stated): ESP Exome Variant Server 0.00008.
gnomAD v4.1: 26 of 1,612,780 alleles (0.0016%); highest among the groups gnomAD compares: African/African-American, 0.012%; no homozygotes.

Submissions (2):

Labcorp Genetics (formerly Invitae), Labcorp
Classification: Likely benign. Last evaluated: 2025-07-14. Review status: criteria provided, single submitter. Criteria: Invitae Variant Classification Sherloc (09022015). Collection method: clinical testing. Allele origin: germline.

Ambry Genetics
Classification: Uncertain significance for Inborn genetic diseases. Last evaluated: 2021-08-18. Review status: criteria provided, single submitter. Criteria: Ambry Variant Classification Scheme 2023. Collection method: clinical testing. Allele origin: germline.
Comment: The c.1004-4C>A intronic alteration consists of a C to A substitution 4 nucleotides before coding exon 13 in the PTPN23 gene. Based on insufficient or conflicting evidence, the clinical significance of this alteration remains unclear.